The following is an entry in ClinVar:

ClinVar aggregate classification (germline): Uncertain significance (1 of 4 stars; one submission).

Submission:

Labcorp Genetics (formerly Invitae), Labcorp
Classification: Uncertain significance. Last evaluated: 2021-11-05. Review status: criteria provided, single submitter. Criteria: Invitae Variant Classification Sherloc (09022015). Collection method: clinical testing. Allele origin: germline.
Comment: In summary, the available evidence is currently insufficient to determine the role of this variant in disease. Therefore, it has been classified as a Variant of Uncertain Significance. Experimental studies and prediction algorithms are not available or were not evaluated, and the functional significance of this variant is currently unknown. This premature translational stop signal has been observed in individual(s) with clinical features of Robinow syndrome (Invitae). This variant is not present in population databases (gnomAD no frequency). This sequence change creates a premature translational stop signal (p.Trp548Profs*8) in the FZD2 gene. While this is not anticipated to result in nonsense mediated decay, it is expected to disrupt the last 18 amino acid(s) of the FZD2 protein.

NM_001466.4(FZD2):c.1642_1661del (p.Trp548fs)

Gene: FZD2 (frizzled class receptor 2; plus strand). Cytogenetic location: 17q21.31.
Variant type: Deletion.
Coding change: c.1642_1661del on transcript NM_001466.4 (MANE Select); coding-DNA positions 1642 to 1661, 20 bases deleted (TGGAGGAAGTTCTACACTCG).
Protein change: p.Trp548fs; shifts the reading frame from tryptophan 548.
Molecular consequence: frameshift variant.
Genome position (GRCh38, 1-based): chr17:44,559,330-44,559,349, TGGAGGAAGTTCTACACTCG deleted; deleting any 20 consecutive bases within chr17:44,559,324-44,559,349 gives the same sequence; the c. name uses the placement nearest the transcript's 3' end. VCF-style (leftmost placement, unchanged base first): chr17-44559323-GCACTCGTGGAGGAAGTTCTA-G. GRCh37 (hg19) VCF-style: chr17-42636691-GCACTCGTGGAGGAAGTTCTA-G.
Other names: short protein forms W548fs.
Identifiers: ClinVar variation 1440872 (VCV001440872.6), dbSNP rs2144574213, ClinGen allele CA2573153944.
Genomic context (GRCh38, chr17:44,559,323, plus strand): 5'-CCTCATGACGCTCATCGTGGGCATCACGTCGGGCTTCTGGATCTGGTCGGGCAAGACGCT[GCACTCGTGGAGGAAGTTCTA>G]CACTCGCCTCACCAACAGCCGACACGGTGAGACCACCGTGTGAGGGACGCCCCCAGGCCG-3'